The following is an entry in ClinVar:

NM_000275.3(OCA2):c.126del (p.Gly43fs)

Gene: OCA2 (OCA2 melanosomal transmembrane protein; minus strand). Cytogenetic location: 15q13.1.
Variant type: Deletion.
Coding change: c.126del on transcript NM_000275.3 (MANE Select); coding-DNA position 126, one base deleted (C; older notation c.126delC).
Protein change: p.Gly43fs; shifts the reading frame from glycine 43.
Molecular consequence: frameshift variant.
Genome position (GRCh38, 1-based): chr15:28,081,749, G deleted on the plus strand (C on the coding strand, the reverse complement: OCA2 is on the minus strand); the first of 2 consecutive G bases (chr15:28,081,749-28,081,750); deleting either gives the same sequence. VCF-style (leftmost placement, unchanged base first): chr15-28081748-CG-C. GRCh37 (hg19) VCF-style: chr15-28326894-CG-C.
Other names: c.126del, p.Gly43fs (NM_001300984.2); short protein forms G43fs.
Identifiers: ClinVar variation 5014996 (VCV005014996.1).
Genomic context (GRCh38, chr15:28,081,748, plus strand): 5'-GAGCCCAAGAGCTCTGCCCGGCAGCCCCCCTGGGGCAGGAGTGCGAGGGGTCAGCTCCAC[CG>C]GCTCCCCGAGGAAGCCTGCGCTTGCCGGCCACAAGTTCAGCGAGTCCGCTGGGCACGGAC-3'

ClinVar aggregate classification (germline): Pathogenic (1 of 4 stars; one submission).

Conditions:
Tyrosinase-positive oculocutaneous albinism (OCA2). Also called: ALBINISM II; Oculocutaneous albinism type 2; Albinism, oculocutaneous, type II. Identifiers: Orphanet 79432, MedGen C0268495, MONDO:0008746, OMIM 203200.

Submission:

Myriad Genetics, Inc.
Classification: Pathogenic for Tyrosinase-positive oculocutaneous albinism. Last evaluated: 2025-09-18. Review status: criteria provided, single submitter. Criteria: Myriad Autosomal Dominant, Autosomal Recessive and X-Linked Classification Criteria (2023). Collection method: clinical testing. Allele origin: unknown.
Comment: NM_000275.2(OCA2):c.126delC(G43Vfs*59) is expected to be pathogenic in the context of oculocutaneous albinism, OCA2-related. This variant is predicted to lead to an abnormal or absent protein product due to the creation of a premature termination codon in OCA2, a gene where loss-of-function variants are known to be pathogenic. Please note: this variant was assessed in the context of healthy population screening.